The following is an entry in ClinVar:

NM_000338.3(SLC12A1):c.2210C>T (p.Ala737Val)

Gene: SLC12A1 (solute carrier family 12 member 1; plus strand). Cytogenetic location: 15q21.1.
Variant type: single nucleotide variant.
Coding change: c.2210C>T on transcript NM_000338.3 (MANE Select); coding-DNA position 2210, C replaced by T.
Protein change: p.Ala737Val; replaces alanine 737 with valine.
Molecular consequence: missense variant.
Genome position (GRCh38, 1-based): chr15:48,267,616, C>T. VCF-style: chr15-48267616-C-T. GRCh37 (hg19) VCF-style: chr15-48559813-C-T.
Other names: p.Ala737Val; c.2210C>T, p.Ala737Val (NM_001184832.2); short protein forms A737V.
Identifiers: ClinVar variation 316267 (VCV000316267.16), dbSNP rs78648980, ClinGen allele CA7547321.
Genomic context (GRCh38, chr15:48,267,616, plus strand): 5'-CACAGGGACCGCGCAAACTGTGTGTTAAGGAGATGAACAGTGGCATGGCGAAAAAACAGG[C>T]CTGGCTTATAAAGAACAAAATCAAGGCTTTTTATGCTGCAGTGGCGGCAGACTGTTTCAG-3'
Protein context (NP_000329.2, residues 727-747): EMNSGMAKKQ[Ala737Val]WLIKNKIKAF

ClinVar aggregate classification (germline): Benign. Review status: criteria provided, multiple submitters, no conflicts (2 of 4 stars). 3 submissions from 3 submitters: Benign (3). Last evaluated 2026-02-04.

Conditions:
Bartter disease type 1. Also called: HYPERPROSTAGLANDIN E SYNDROME 1; HYPOKALEMIC ALKALOSIS WITH HYPERCALCIURIA 1, ANTENATAL; Bartter syndrome, type 1, antenatal; Bartter Syndrome type 1. Identifiers: Orphanet 112, Orphanet 620217, MedGen C1866495, MONDO:0100344, OMIM 601678, MONDO:0011127.

Allele frequency attached by ClinVar (database versions not stated): gnomAD 0.00111 and 0.00172; gnomAD exomes 0.00138 and 0.00353; TOPMed 0.00164; ExAC 0.00327; 1000 Genomes Project 30x 0.01156; 1000 Genomes Project 0.01258.
gnomAD v4.1: 2,321 of 1,613,564 alleles (0.14%); highest among the groups gnomAD compares: East Asian, 4.8%; 48 homozygotes.

Submissions (4):

Labcorp Genetics (formerly Invitae), Labcorp
Classification: Benign. Last evaluated: 2026-02-04. Review status: criteria provided, single submitter. Criteria: Invitae Variant Classification Sherloc (09022015). Collection method: clinical testing. Allele origin: germline.

Mayo Clinic Laboratories, Mayo Clinic
Classification: Benign. Last evaluated: 2024-12-12. Review status: criteria provided, single submitter. Criteria: ACMG Guidelines, 2015. Collection method: clinical testing. Allele origin: germline. Observed: 1 variant allele.
Comment: BS1, BS2

Illumina Laboratory Services, Illumina
Classification: Benign for Bartter disease type 1. Last evaluated: 2018-01-13. Review status: criteria provided, single submitter. Criteria: ICSL Variant Classification Criteria 13 December 2019. Collection method: clinical testing. Allele origin: germline.
Comment: This variant was observed in the ICSL laboratory as part of a predisposition screen in an ostensibly healthy population. It had not been previously curated by ICSL or reported in the Human Gene Mutation Database (HGMD: prior to June 1st, 2018), and was therefore a candidate for classification through an automated scoring system. Utilizing variant allele frequency, disease prevalence and penetrance estimates, and inheritance mode, an automated score was calculated to assess if this variant is too frequent to cause the disease. Based on the score and internal cut-off values, a variant classified as benign is not then subjected to further curation. The score for this variant resulted in a classification of benign for this disease.

Dr. Peter K. Rogan Lab, Western University
No classification provided (evidence only). Condition: Thymoma. Review status: no classification provided. Collection method: in vitro. Allele origin: not applicable. Functional consequence: retained intron. Not counted in ClinVar's aggregate classification.